The following is an entry in ClinVar:

ClinVar aggregate classification (germline): Benign. Review status: criteria provided, multiple submitters, no conflicts (2 of 4 stars). 2 submissions from 2 submitters: Benign (2). Last evaluated 2019-03-16.

Allele frequency attached by ClinVar (database versions not stated): ExAC 0.20927.

Submissions (2):

GeneDx
Classification: Benign. Last evaluated: 2019-03-16. Review status: criteria provided, single submitter. Criteria: GeneDx Variant Classification Process June 2021. Collection method: clinical testing. Allele origin: germline. Affected: yes.

Laboratory for Molecular Medicine, Mass General Brigham Personalized Medicine
Classification: Benign. Last evaluated: 2016-03-29. Review status: criteria provided, single submitter. Criteria: LMM Criteria. Collection method: clinical testing. Allele origin: germline.
Comment: Variant identified in a genome or exome case(s) and assessed due to predicted null impact of the variant or pathogenic assertions in the literature or databases. Disclaimer: This variant has not undergone full assessment. The following are preliminary notes: Frequency

NM_020435.4(GJC2):c.-6G>C

Gene: GJC2 (gap junction protein gamma 2; plus strand). Cytogenetic location: 1q42.13.
Variant type: single nucleotide variant.
Coding change: c.-6G>C on transcript NM_020435.4 (MANE Select); 6 bases upstream of the start codon, G replaced by C.
Molecular consequence: 5 prime UTR variant.
Genome position (GRCh38, 1-based): chr1:228,157,753, G>C. VCF-style: chr1-228157753-G-C. GRCh37 (hg19) VCF-style: chr1-228345454-G-C.
Identifiers: ClinVar variation 402902 (VCV000402902.6), dbSNP rs762585789, ClinGen allele CA1430782.